The following is an entry in ClinVar:

NM_002778.4(PSAP):c.5A>G (p.Tyr2Cys)

Gene: PSAP (prosaposin; minus strand). Cytogenetic location: 10q22.1.
Variant type: single nucleotide variant.
Coding change: c.5A>G on transcript NM_002778.4 (MANE Select); coding-DNA position 5, A replaced by G.
Protein change: p.Tyr2Cys; replaces tyrosine 2 with cysteine.
Molecular consequence: missense variant.
Genome position (GRCh38, 1-based): chr10:71,851,217, T>C on the plus strand (A>G on the coding strand, the complement: PSAP is on the minus strand). VCF-style: chr10-71851217-T-C. GRCh37 (hg19) VCF-style: chr10-73610974-T-C.
Other names: c.5A>G, p.Tyr2Cys (NM_001042465.3, NM_001042466.3); c.5A>G (NM_002778.2); short protein forms Y2C.
Identifiers: ClinVar variation 2145197 (VCV002145197.2), dbSNP rs759590269, ClinGen allele CA5547947.

ClinVar aggregate classification (germline): Uncertain significance. Review status: criteria provided, multiple submitters, no conflicts (2 of 4 stars). 2 submissions from 2 submitters: Uncertain significance (2). Last evaluated 2022-10-22.

Conditions:
Sphingolipid activator protein 1 deficiency. Also called: METACHROMATIC LEUKODYSTROPHY DUE TO CEREBROSIDE SULFATASE ACTIVATOR DEFICIENCY; Metachromatic leukodystrophy due to saposin B deficiency; Saposin B Deficiency. Identifiers: Orphanet 512, MedGen C0268262, MONDO:0009590, OMIM 249900.
Inborn genetic diseases. Identifiers: MedGen C0950123, MeSH D030342.

Allele frequency attached by ClinVar (database versions not stated): gnomAD exomes 0.00001; gnomAD 0.00004; TOPMed 0.00004.
gnomAD v4.1: 13 of 1,550,968 alleles (0.00084%); highest among the groups gnomAD compares: Admixed American, 0.016%; no homozygotes.

Submissions (2):

Labcorp Genetics (formerly Invitae), Labcorp
Classification: Uncertain significance for Sphingolipid activator protein 1 deficiency. Last evaluated: 2022-10-22. Review status: criteria provided, single submitter. Criteria: Invitae Variant Classification Sherloc (09022015). Collection method: clinical testing. Allele origin: germline.
Comment: This sequence change replaces tyrosine, which is neutral and polar, with cysteine, which is neutral and slightly polar, at codon 2 of the PSAP protein (p.Tyr2Cys). This variant is present in population databases (rs759590269, gnomAD 0.02%). This variant has not been reported in the literature in individuals affected with PSAP-related conditions. Algorithms developed to predict the effect of missense changes on protein structure and function output the following: SIFT: "Not Available"; PolyPhen-2: "Not Available"; Align-GVGD: "Not Available". The cysteine amino acid residue is found in multiple mammalian species, which suggests that this missense change does not adversely affect protein function. In summary, the available evidence is currently insufficient to determine the role of this variant in disease. Therefore, it has been classified as a Variant of Uncertain Significance.

Ambry Genetics
Classification: Uncertain significance for Inborn genetic diseases. Last evaluated: 2021-09-27. Review status: criteria provided, single submitter. Criteria: Ambry Variant Classification Scheme 2023. Collection method: clinical testing. Allele origin: germline.